The following is an entry in ClinVar:

ClinVar aggregate classification (germline): Uncertain significance. Review status: criteria provided, multiple submitters, no conflicts (2 of 4 stars). 2 submissions from 2 submitters: Uncertain significance (2). Last evaluated 2024-10-29.

Conditions:
Desbuquois dysplasia 1 (DBQD1). Also called: MICROMELIC DWARFISM WITH VERTEBRAL AND METAPHYSEAL ABNORMALITIES AND ADVANCED CARPOTARSAL OSSIFICATION; DESBUQUOIS DYSPLASIA 1, KIM VARIANT. Identifiers: Orphanet 1425, MedGen C4012146, MONDO:0009629, OMIM 251450.

Allele frequency attached by ClinVar (database versions not stated): TOPMed 0.00010.
gnomAD v4.1: 147 of 1,599,138 alleles (0.0092%); highest among the groups gnomAD compares: Admixed American, 0.052%; no homozygotes.

Submissions (2):

Blueprint Genetics
Classification: Uncertain significance. Last evaluated: 2024-10-29. Review status: criteria provided, single submitter. Criteria: ACMG Guidelines, 2015. Collection method: clinical testing. Allele origin: germline.

Labcorp Genetics (formerly Invitae), Labcorp
Classification: Uncertain significance for Desbuquois dysplasia 1. Last evaluated: 2022-04-23. Review status: criteria provided, single submitter. Criteria: Invitae Variant Classification Sherloc (09022015). Collection method: clinical testing. Allele origin: germline.
Comment: This sequence change replaces glutamic acid, which is acidic and polar, with lysine, which is basic and polar, at codon 248 of the XYLT1 protein (p.Glu248Lys). This variant is present in population databases (rs765052371, gnomAD 0.02%). This variant has not been reported in the literature in individuals affected with XYLT1-related conditions. ClinVar contains an entry for this variant (Variation ID: 862848). Algorithms developed to predict the effect of missense changes on protein structure and function (SIFT, PolyPhen-2, Align-GVGD) all suggest that this variant is likely to be tolerated. In summary, the available evidence is currently insufficient to determine the role of this variant in disease. Therefore, it has been classified as a Variant of Uncertain Significance.

NM_022166.4(XYLT1):c.742G>A (p.Glu248Lys)

Gene: XYLT1 (xylosyltransferase 1; minus strand). Cytogenetic location: 16p12.3.
Variant type: single nucleotide variant.
Coding change: c.742G>A on transcript NM_022166.4 (MANE Select); coding-DNA position 742, G replaced by A.
Protein change: p.Glu248Lys; replaces glutamic acid 248 with lysine.
Molecular consequence: missense variant.
Genome position (GRCh38, 1-based): chr16:17,259,159, C>T on the plus strand (G>A on the coding strand, the complement: XYLT1 is on the minus strand). VCF-style: chr16-17259159-C-T. GRCh37 (hg19) VCF-style: chr16-17353016-C-T.
Other names: short protein forms E248K.
Identifiers: ClinVar variation 862848 (VCV000862848.5), dbSNP rs765052371, ClinGen allele CA7928121.